The following is an entry in ClinVar:

NM_004715.5(CTDP1):c.2881_2882del (p.Met961fs)

Gene: CTDP1 (CTD phosphatase subunit 1; plus strand). Cytogenetic location: 18q23.
Variant type: Deletion.
Coding change: c.2881_2882del on transcript NM_004715.5 (MANE Select); coding-DNA positions 2881 to 2882, 2 bases deleted (AT; older notation c.2881_2882delAT).
Protein change: p.Met961fs; shifts the reading frame from methionine 961.
Molecular consequence: frameshift variant. On other transcripts: 3 prime UTR variant (2).
Genome position (GRCh38, 1-based): chr18:79,753,785-79,753,786, AT deleted. VCF-style (leftmost placement, unchanged base first): chr18-79753784-CAT-C. GRCh37 (hg19) VCF-style: chr18-77513784-CAT-C.
Other names: c.2524_2525del, p.Met842fs (NM_001202504.1); c.*110_*111del (NM_001318511.2); c.*114_*115del (NM_048368.4); short protein forms M961fs, M842fs.
Identifiers: ClinVar variation 2128048 (VCV002128048.4), dbSNP rs765172459, ClinGen allele CA9010740.
Genomic context (GRCh38, chr18:79,753,784, plus strand): 5'-GGGCAGCAGCTCCGAGGCCGACGAGATGGCCAAGGCGCTGGAGGCGGAGCTCAACGACCT[CAT>C]GTGAGCGCGGGCAGCGGGCAGGGACTGAAGCCTGACCGACCTCCAGCAGCACTCGGACGT-3'

ClinVar aggregate classification (germline): Uncertain significance (1 of 4 stars; one submission).

Allele frequency attached by ClinVar (database versions not stated): gnomAD exomes below 0.00001; ExAC 0.00001.

Submission:

Labcorp Genetics (formerly Invitae), Labcorp
Classification: Uncertain significance. Last evaluated: 2025-09-02. Review status: criteria provided, single submitter. Criteria: Invitae Variant Classification Sherloc (09022015). Collection method: clinical testing. Allele origin: germline.
Comment: This sequence change is expected to alter the c-terminus of the CTDP1 protein (p.Met961Valfs*54). While this is not anticipated to result in nonsense mediated decay, it is expected to disrupt the last 1 amino acid(s) of the CTDP1 protein and extend the protein by 52 additional amino acid residues. This variant is present in population databases (rs765172459, gnomAD 0.006%). This variant has not been reported in the literature in individuals affected with CTDP1-related conditions. ClinVar contains an entry for this variant (Variation ID: 2128048). Algorithms developed to predict the effect of sequence changes on RNA splicing suggest that this variant may create or strengthen a splice site. In summary, the available evidence is currently insufficient to determine the role of this variant in disease. Therefore, it has been classified as a Variant of Uncertain Significance.